The following is an entry in ClinVar:

ClinVar aggregate classification (germline): Uncertain significance (1 of 4 stars; one submission).

Conditions:
Inborn genetic diseases. Identifiers: MedGen C0950123, MeSH D030342.

Submission:

Ambry Genetics
Classification: Uncertain significance for Inborn genetic diseases. Last evaluated: 2025-06-08. Review status: criteria provided, single submitter. Criteria: Ambry Variant Classification Scheme 2023. Collection method: clinical testing. Allele origin: germline.
Comment: The p.F842C variant (also known as c.2525T>G), located in coding exon 19 of the BUB1B gene, results from a T to G substitution at nucleotide position 2525. The phenylalanine at codon 842 is replaced by cysteine, an amino acid with highly dissimilar properties. This amino acid position is conserved. In addition, this alteration is predicted to be tolerated by in silico analysis. Based on the available evidence, the clinical significance of this variant remains unclear.

NM_001211.6(BUB1B):c.2525T>G (p.Phe842Cys)

Gene: BUB1B (BUB1 mitotic checkpoint serine/threonine kinase B; plus strand). Cytogenetic location: 15q15.1.
Variant type: single nucleotide variant.
Coding change: c.2525T>G on transcript NM_001211.6 (MANE Select); coding-DNA position 2525, T replaced by G.
Protein change: p.Phe842Cys; replaces phenylalanine 842 with cysteine.
Molecular consequence: missense variant.
Genome position (GRCh38, 1-based): chr15:40,212,638, T>G. VCF-style: chr15-40212638-T-G. GRCh37 (hg19) VCF-style: chr15-40504839-T-G.
Other names: short protein forms F842C.
Identifiers: ClinVar variation 3993748 (VCV003993748.1).